The following is an entry in ClinVar:

NM_001256864.2(DNAJC6):c.1086A>G (p.Ser362=)

Gene: DNAJC6 (DnaJ heat shock protein family (Hsp40) member C6; plus strand). Cytogenetic location: 1p31.3.
Variant type: single nucleotide variant.
Coding change: c.1086A>G on transcript NM_001256864.2 (MANE Select); coding-DNA position 1086, A replaced by G.
Protein change: p.Ser362=; no amino-acid change (serine 362 retained).
Molecular consequence: synonymous variant.
Genome position (GRCh38, 1-based): chr1:65,386,902, A>G. VCF-style: chr1-65386902-A-G. GRCh37 (hg19) VCF-style: chr1-65852585-A-G.
Other names: c.876A>G, p.Ser292= (NM_001256865.2); c.915A>G, p.Ser305= (NM_014787.4).
Identifiers: ClinVar variation 4534795 (VCV004534795.6).

ClinVar aggregate classification (germline): Likely benign (1 of 4 stars; one submission).

Submission:

CeGaT Center for Human Genetics Tuebingen
Classification: Likely benign. Last evaluated: 2025-11-01. Review status: criteria provided, single submitter. Criteria: CeGaT Center For Human Genetics Tuebingen Variant Classification Criteria Version 2. Collection method: clinical testing. Allele origin: germline. Affected: yes. Observed: 1 variant allele.
Comment: DNAJC6: PM2:Supporting, BP4, BP7